The following is an entry in ClinVar:

NM_015443.4(KANSL1):c.2331C>T (p.Pro777=)

Gene: KANSL1 (KAT8 regulatory NSL complex subunit 1). Cytogenetic location: 17q21.31.
Variant type: single nucleotide variant.
Coding change: c.2331C>T on transcript NM_015443.4 (MANE Select); coding-DNA position 2331, C replaced by T.
Protein change: p.Pro777=; no amino-acid change (proline 777 retained).
Molecular consequence: synonymous variant.
Genome position (GRCh38, 1-based): chr17:46,039,088, G>A on the plus strand (C>T on the coding strand, the complement: KANSL1 is on the minus strand). VCF-style: chr17-46039088-G-A. GRCh37 (hg19) VCF-style: chr17-44116454-G-A.
Other names: p.P777P:CCC>CCT; c.2331C>T, p.Pro777= (NM_001193465.2, NM_001193466.2, NM_001379198.1).
Identifiers: ClinVar variation 205744 (VCV000205744.25), dbSNP rs139663254, ClinGen allele CA315117.
Genomic context (GRCh38, chr17:46,039,088, plus strand): 5'-TTCACTTCTCTCAGATGAATGGTCTCGCAATCTCATTTTGCTGTGGTTTGGGTCATGCAC[G>A]GGTGGTGGTGGGTTGAGCAAGCGCTCTGCTTTTGGCGCTGTCACTCGCTCCACCATGGGC-3'
Protein context (NP_056258.1, residues 767-787): KAERLLNPPP[Pro777=]VHDPNHSKMR

ClinVar aggregate classification (germline): Benign/Likely benign. Review status: criteria provided, multiple submitters, no conflicts (2 of 4 stars). 3 submissions from 3 submitters: Benign (1); Likely benign (2). Last evaluated 2025-12-08.

Conditions:
Koolen-de Vries syndrome (KDVS). Identifiers: Orphanet 96169, MedGen C1864871, MONDO:0012496, OMIM 610443.

Allele frequency attached by ClinVar (database versions not stated): gnomAD 0.00002 and 0.00003; TOPMed 0.00004; ESP Exome Variant Server 0.00023.
gnomAD v4.1: 201 of 1,611,950 alleles (0.012%); highest among the groups gnomAD compares: Non-Finnish European, 0.016%; no homozygotes.

Submissions (3):

Labcorp Genetics (formerly Invitae), Labcorp
Classification: Likely benign for Koolen-de Vries syndrome. Last evaluated: 2025-12-08. Review status: criteria provided, single submitter. Criteria: Invitae Variant Classification Sherloc (09022015). Collection method: clinical testing. Allele origin: germline.

CeGaT Center for Human Genetics Tuebingen
Classification: Likely benign. Last evaluated: 2024-10-01. Review status: criteria provided, single submitter. Criteria: CeGaT Center For Human Genetics Tuebingen Variant Classification Criteria Version 2. Collection method: clinical testing. Allele origin: germline. Affected: yes. Observed: 1 variant allele.
Comment: KANSL1: BP4, BP7

GeneDx
Classification: Benign. Last evaluated: 2014-08-11. Review status: criteria provided, single submitter. Criteria: GeneDx Variant Classification (06012015). Collection method: clinical testing. Allele origin: germline. Affected: yes.
Comment: This variant is considered likely benign or benign based on one or more of the following criteria: it is a conservative change, it occurs at a poorly conserved position in the protein, it is predicted to be benign by multiple in silico algorithms, and/or has population frequency not consistent with disease.